The following is an entry in ClinVar:

NM_015474.4(SAMHD1):c.1270G>C (p.Asp424His)

Gene: SAMHD1 (SAM and HD domain containing deoxynucleoside triphosphate triphosphohydrolase 1; minus strand). Cytogenetic location: 20q11.23.
Variant type: single nucleotide variant.
Coding change: c.1270G>C on transcript NM_015474.4 (MANE Select); coding-DNA position 1270, G replaced by C.
Protein change: p.Asp424His; replaces aspartic acid 424 with histidine.
Molecular consequence: missense variant.
Genome position (GRCh38, 1-based): chr20:36,911,218, C>G on the plus strand (G>C on the coding strand, the complement: SAMHD1 is on the minus strand). VCF-style: chr20-36911218-C-G. GRCh37 (hg19) VCF-style: chr20-35539621-C-G.
Other names: c.1270G>C, p.Asp424His (NM_001363729.2, NM_001363733.2); short protein forms D424H.
Identifiers: ClinVar variation 1916940 (VCV001916940.2), dbSNP rs1212833020, ClinGen allele CA408843287.

ClinVar aggregate classification (germline): Uncertain significance (1 of 4 stars; one submission).

Conditions:
Aicardi-Goutieres syndrome 5. Identifiers: Orphanet 51, MedGen C2749659, MONDO:0013059, OMIM 612952.

Allele frequency attached by ClinVar (database versions not stated): TOPMed below 0.00001; gnomAD 0.00001.
gnomAD v4.1: 1 of 1,600,084 alleles (0.000062%); highest among the groups gnomAD compares: African/African-American, 0.0013%; no homozygotes.

Submission:

Labcorp Genetics (formerly Invitae), Labcorp
Classification: Uncertain significance for Aicardi-Goutieres syndrome 5. Last evaluated: 2022-05-28. Review status: criteria provided, single submitter. Criteria: Invitae Variant Classification Sherloc (09022015). Collection method: clinical testing. Allele origin: germline.
Comment: This sequence change replaces aspartic acid, which is acidic and polar, with histidine, which is basic and polar, at codon 424 of the SAMHD1 protein (p.Asp424His). This variant also falls at the last nucleotide of exon 11, which is part of the consensus splice site for this exon. This variant is present in population databases (no rsID available, gnomAD 0.01%). This variant has not been reported in the literature in individuals affected with SAMHD1-related conditions. Algorithms developed to predict the effect of missense changes on protein structure and function are either unavailable or do not agree on the potential impact of this missense change (SIFT: "Deleterious"; PolyPhen-2: "Probably Damaging"; Align-GVGD: "Class C0"). Variants that disrupt the consensus splice site are a relatively common cause of aberrant splicing (PMID: 17576681, 9536098). Algorithms developed to predict the effect of sequence changes on RNA splicing suggest that this variant may disrupt the consensus splice site. In summary, the available evidence is currently insufficient to determine the role of this variant in disease. Therefore, it has been classified as a Variant of Uncertain Significance.

Literature cited by the submitters: PubMed 17576681; PubMed 9536098.